The following is an entry in ClinVar:

NM_003664.5(AP3B1):c.1762G>A (p.Gly588Arg)

Gene: AP3B1 (adaptor related protein complex 3 subunit beta 1; minus strand). Cytogenetic location: 5q14.1.
Variant type: single nucleotide variant.
Coding change: c.1762G>A on transcript NM_003664.5 (MANE Select); coding-DNA position 1762, G replaced by A.
Protein change: p.Gly588Arg; replaces glycine 588 with arginine.
Molecular consequence: missense variant.
Genome position (GRCh38, 1-based): chr5:78,129,196, C>T on the plus strand (G>A on the coding strand, the complement: AP3B1 is on the minus strand). VCF-style: chr5-78129196-C-T. GRCh37 (hg19) VCF-style: chr5-77425020-C-T.
Other names: c.1615G>A, p.Gly539Arg (NM_001271769.2); c.1762G>A, p.Gly588Arg (NM_001410752.1); short protein forms G539R, G588R.
Identifiers: ClinVar variation 3022273 (VCV003022273.3), dbSNP rs760206626, ClinGen allele CA3316967.
Genomic context (GRCh38, chr5:78,129,196, plus strand): 5'-CAAGCAGTGGTGCAGGCTTTTGTGCTAGGAATATTTTTTTGGCATATTTACTTAAAGCTC[C>T]ACTCTTTACATTCGGAACAATAAGCTGCCTAATAAATCTTGTACGGTCTCTGATGTCGTA-3'
Protein context (NP_003655.3, residues 578-598): RQLIVPNVKS[Gly588Arg]ALSKYAKKIF

ClinVar aggregate classification (germline): Uncertain significance (1 of 4 stars; one submission).

Conditions:
Hermansky-Pudlak syndrome 2 (HPS2). Also called: Platelet defects and oculocutaneous albinism. Identifiers: Orphanet 183678, Orphanet 79430, MedGen C1842362, MONDO:0011997, OMIM 608233.

Allele frequency attached by ClinVar (database versions not stated): gnomAD exomes below 0.00001; ExAC 0.00001.
gnomAD v4.1: 2 of 1,613,190 alleles (0.00012%); highest among the groups gnomAD compares: East Asian, 0.0022%; no homozygotes.

Submission:

Labcorp Genetics (formerly Invitae), Labcorp
Classification: Uncertain significance for Hermansky-Pudlak syndrome 2. Last evaluated: 2023-10-05. Review status: criteria provided, single submitter. Criteria: Invitae Variant Classification Sherloc (09022015). Collection method: clinical testing. Allele origin: germline.
Comment: This sequence change replaces glycine, which is neutral and non-polar, with arginine, which is basic and polar, at codon 588 of the AP3B1 protein (p.Gly588Arg). This variant is present in population databases (rs760206626, gnomAD 0.006%). This variant has not been reported in the literature in individuals affected with AP3B1-related conditions. An algorithm developed to predict the effect of missense changes on protein structure and function (PolyPhen-2) suggests that this variant is likely to be tolerated. In summary, the available evidence is currently insufficient to determine the role of this variant in disease. Therefore, it has been classified as a Variant of Uncertain Significance.